The following is an entry in ClinVar:

ClinVar aggregate classification (germline): Benign. Review status: criteria provided, multiple submitters, no conflicts (2 of 4 stars). 3 submissions from 2 submitters: Benign (3). Last evaluated 2018-01-13.

Conditions:
Spherocytosis. Identifiers: MedGen C0553720, HP:0004444.
Hereditary spherocytosis type 1. Also called: Spherocytosis type 1; ANK1-Related Spherocytosis. Identifiers: Orphanet 822, MedGen C2674218, MONDO:0008447, OMIM 182900.

Allele frequency attached by ClinVar (database versions not stated): TOPMed 0.98323; gnomAD 0.98376 and 0.98503; 1000 Genomes Project 30x 0.98532; 1000 Genomes Project 0.98602; gnomAD exomes 0.99650.
gnomAD v4.1: 150,332 of 152,592 alleles (99%); highest among the groups gnomAD compares: East Asian, 100%; 74,088 homozygotes.

Submissions (3):

Illumina Laboratory Services, Illumina
Classification: Benign for Hereditary spherocytosis type 1. Last evaluated: 2018-01-13. Review status: criteria provided, single submitter. Criteria: ICSL Variant Classification Criteria 13 December 2019. Collection method: clinical testing. Allele origin: germline.
Comment: This variant was observed in the ICSL laboratory as part of a predisposition screen in an ostensibly healthy population. It had not been previously curated by ICSL or reported in the Human Gene Mutation Database (HGMD: prior to June 1st, 2018), and was therefore a candidate for classification through an automated scoring system. Utilizing variant allele frequency, disease prevalence and penetrance estimates, and inheritance mode, an automated score was calculated to assess if this variant is too frequent to cause the disease. Based on the score and internal cut-off values, a variant classified as benign is not then subjected to further curation. The score for this variant resulted in a classification of benign for this disease.

Illumina Laboratory Services, Illumina
Classification: Benign for Spherocytosis. Last evaluated: 2018-01-13. Review status: criteria provided, single submitter. Criteria: ICSL Variant Classification Criteria 13 December 2019. Collection method: clinical testing. Allele origin: germline.
Comment: the same text as in the submission from Illumina Laboratory Services, Illumina above.

Breakthrough Genomics
Classification: Benign. Review status: criteria provided, single submitter. Criteria: ACMG Guidelines, 2015. Collection method: not provided. Allele origin: germline. Inheritance: Autosomal dominant inheritance. Affected: yes.

NM_000037.4(ANK1):c.*2152T>G

Gene: ANK1 (ankyrin 1; minus strand). Cytogenetic location: 8p11.21.
Variant type: single nucleotide variant.
Coding change: c.*2152T>G on transcript NM_000037.4 (MANE Select); 2152 bases downstream of the stop codon, T replaced by G.
Molecular consequence: 3 prime UTR variant.
Genome position (GRCh38, 1-based): chr8:41,653,638, A>C on the plus strand (T>G on the coding strand, the complement: ANK1 is on the minus strand). VCF-style: chr8-41653638-A-C. GRCh37 (hg19) VCF-style: chr8-41511157-A-C.
Other names: c.*2089T>G (NM_001142445.2, NM_001142446.2, NM_020475.3 and 3 more transcripts); c.*2152T>G (NM_020478.5).
Identifiers: ClinVar variation 362954 (VCV000362954.6), dbSNP rs543817, ClinGen allele CA10627785.
Genomic context (GRCh38, chr8:41,653,638, plus strand): 5'-GGCTGCAGCAGCGACCTGGGAGAGGAAGGTGCAGGATCGAGGCGGGAGAGGCGAGCCCTG[A>C]GCCCAGCTTCCTTGGGCCGTCACCGAATCGGTCCCAGCCGCGCTGTGCGGCCCCCCTGCC-3'